The following is an entry in ClinVar:

ClinVar aggregate classification (germline): Uncertain significance. Review status: criteria provided, multiple submitters, no conflicts (2 of 4 stars). 4 submissions from 4 submitters: Uncertain significance (4). Last evaluated 2025-01-10.

Conditions:
Cardiovascular phenotype. Identifiers: MedGen CN230736.
Catecholaminergic polymorphic ventricular tachycardia 1. Also called: VENTRICULAR TACHYCARDIA, STRESS-INDUCED POLYMORPHIC 1; RYR2-Related Catecholaminergic Polymorphic Ventricular Tachycardia; VENTRICULAR TACHYCARDIA, CATECHOLAMINERGIC POLYMORPHIC, 1, WITH OR WITHOUT ATRIAL DYSFUNCTION AND/OR DILATED CARDIOMYOPATHY. Identifiers: Orphanet 3286, MedGen C1631597, MONDO:0011484, OMIM 604772.
Catecholaminergic polymorphic ventricular tachycardia 5 (CARDAR). Also called: Ventricular tachycardia, catecholaminergic polymorphic, 5, with or without muscle weakness; CARDIAC ARRHYTHMIA SYNDROME, WITH OR WITHOUT SKELETAL MUSCLE WEAKNESS. Identifiers: Orphanet 3286, MedGen C3809536, MONDO:0014191, OMIM 615441.

Allele frequency attached by ClinVar (database versions not stated): gnomAD 0.00003; gnomAD exomes 0.00003 and 0.00007; TOPMed 0.00005; ExAC 0.00007.
gnomAD v4.1: 51 of 1,613,618 alleles (0.0032%); highest among the groups gnomAD compares: East Asian, 0.1%; no homozygotes.

Submissions (4):

Labcorp Genetics (formerly Invitae), Labcorp
Classification: Uncertain significance for Catecholaminergic polymorphic ventricular tachycardia 1. Last evaluated: 2025-01-10. Review status: criteria provided, single submitter. Criteria: Invitae Variant Classification Sherloc (09022015). Collection method: clinical testing. Allele origin: germline.
Comment: This sequence change replaces asparagine, which is neutral and polar, with aspartic acid, which is acidic and polar, at codon 9 of the TRDN protein (p.Asn9Asp). This variant is present in population databases (rs768303943, gnomAD 0.1%). This variant has not been reported in the literature in individuals affected with TRDN-related conditions. ClinVar contains an entry for this variant (Variation ID: 532334). Experimental studies and prediction algorithms are not available or were not evaluated, and the functional significance of this variant is currently unknown. In summary, the available evidence is currently insufficient to determine the role of this variant in disease. Therefore, it has been classified as a Variant of Uncertain Significance.

Ambry Genetics
Classification: Uncertain significance for Cardiovascular phenotype. Last evaluated: 2024-05-24. Review status: criteria provided, single submitter. Criteria: Ambry Variant Classification Scheme 2023. Collection method: clinical testing. Allele origin: germline.

Blueprint Genetics
Classification: Uncertain significance. Last evaluated: 2023-11-15. Review status: criteria provided, single submitter. Criteria: ACMG Guidelines, 2015. Collection method: clinical testing. Allele origin: germline.

Fulgent Genetics
Classification: Uncertain significance for Catecholaminergic polymorphic ventricular tachycardia 1; Catecholaminergic polymorphic ventricular tachycardia 5. Last evaluated: 2021-10-06. Review status: criteria provided, single submitter. Criteria: ACMG Guidelines, 2015. Collection method: clinical testing. Allele origin: unknown.

NM_006073.4(TRDN):c.25A>G (p.Asn9Asp)

Gene: TRDN (triadin; minus strand). Cytogenetic location: 6q22.31.
Variant type: single nucleotide variant.
Coding change: c.25A>G on transcript NM_006073.4 (MANE Select); coding-DNA position 25, A replaced by G.
Protein change: p.Asn9Asp; replaces asparagine 9 with aspartic acid.
Molecular consequence: missense variant.
Genome position (GRCh38, 1-based): chr6:123,571,130, T>C on the plus strand (A>G on the coding strand, the complement: TRDN is on the minus strand). VCF-style: chr6-123571130-T-C. GRCh37 (hg19) VCF-style: chr6-123892275-T-C.
Other names: c.25A>G (NM_006073.2); c.25A>G, p.Asn9Asp (NM_001251987.2, NM_001256020.2, NM_001256021.2 and 1 more transcripts); short protein forms N9D.
Identifiers: ClinVar variation 532334 (VCV000532334.14), dbSNP rs768303943, ClinGen allele CA3984491.